The following is an entry in ClinVar:

NM_001111125.3(IQSEC2):c.4039G>A (p.Ala1347Thr)

Gene: IQSEC2 (IQ motif and Sec7 domain ArfGEF 2; minus strand). Cytogenetic location: Xp11.22.
Variant type: single nucleotide variant.
Coding change: c.4039G>A on transcript NM_001111125.3 (MANE Select); coding-DNA position 4039, G replaced by A.
Protein change: p.Ala1347Thr; replaces alanine 1347 with threonine.
Molecular consequence: missense variant. On other transcripts: 3 prime UTR variant (1).
Genome position (GRCh38, 1-based): chrX:53,234,647, C>T on the plus strand (G>A on the coding strand, the complement: IQSEC2 is on the minus strand). VCF-style: chrX-53234647-C-T. GRCh37 (hg19) VCF-style: chrX-53263829-C-T.
Other names: c.*524G>A (NM_015075.2); short protein forms A1347T.
Identifiers: ClinVar variation 1208860 (VCV001208860.5), dbSNP rs2074097651, ClinGen allele CA413139739.

ClinVar aggregate classification (germline): Conflicting classifications of pathogenicity. Review status: criteria provided, conflicting classifications (1 of 4 stars). 2 submissions from 2 submitters: Uncertain significance (1); Likely benign (1). Last evaluated 2024-03-07.

Conditions:
Intellectual developmental disorder, X-linked 1. Also called: Intellectual disability, X-linked 1; MENTAL RETARDATION, X-LINKED 18; MENTAL RETARDATION, X-LINKED 78; Atkin Flaitz Patil Smith syndrome. Identifiers: Orphanet 777, MedGen C2931498, MONDO:0010656, OMIM 309530.

Allele frequency attached by ClinVar (database versions not stated): gnomAD exomes 0.00001; TOPMed 0.00002.
gnomAD v4.1: 6 of 1,136,911 alleles (0.00053%); highest among the groups gnomAD compares: Non-Finnish European, 0.0007%; no homozygotes.

Submissions (2):

Labcorp Genetics (formerly Invitae), Labcorp
Classification: Uncertain significance for Intellectual developmental disorder, X-linked 1. Last evaluated: 2024-03-07. Review status: criteria provided, single submitter. Criteria: Invitae Variant Classification Sherloc (09022015). Collection method: clinical testing. Allele origin: germline.
Comment: This sequence change replaces alanine, which is neutral and non-polar, with threonine, which is neutral and polar, at codon 1347 of the IQSEC2 protein (p.Ala1347Thr). This variant is not present in population databases (gnomAD no frequency). This variant has not been reported in the literature in individuals affected with IQSEC2-related conditions. ClinVar contains an entry for this variant (Variation ID: 1208860). Advanced modeling of protein sequence and biophysical properties (such as structural, functional, and spatial information, amino acid conservation, physicochemical variation, residue mobility, and thermodynamic stability) performed at Invitae indicates that this missense variant is not expected to disrupt IQSEC2 protein function with a negative predictive value of 95%. In summary, the available evidence is currently insufficient to determine the role of this variant in disease. Therefore, it has been classified as a Variant of Uncertain Significance.

GeneDx
Classification: Likely benign. Last evaluated: 2021-03-16. Review status: criteria provided, single submitter. Criteria: GeneDx Variant Classification Process June 2021. Collection method: clinical testing. Allele origin: germline. Affected: yes.
Comment: Not observed in large population cohorts (Lek et al., 2016); In silico analysis supports that this missense variant does not alter protein structure/function; Has not been previously published as pathogenic or benign to our knowledge